The following is an entry in ClinVar:

NM_182914.3(SYNE2):c.10598A>G (p.Gln3533Arg)

Gene: SYNE2 (spectrin repeat containing nuclear envelope protein 2; plus strand). Cytogenetic location: 14q23.2.
Variant type: single nucleotide variant.
Coding change: c.10598A>G on transcript NM_182914.3 (MANE Select); coding-DNA position 10598, A replaced by G.
Protein change: p.Gln3533Arg; replaces glutamine 3533 with arginine.
Molecular consequence: missense variant.
Genome position (GRCh38, 1-based): chr14:64,070,811, A>G. VCF-style: chr14-64070811-A-G. GRCh37 (hg19) VCF-style: chr14-64537529-A-G.
Other names: c.10598A>G, p.Gln3533Arg (NM_015180.6); short protein forms Q3533R.
Identifiers: ClinVar variation 1476228 (VCV001476228.6), dbSNP rs2153599656, ClinGen allele CA389936792.

ClinVar aggregate classification (germline): Uncertain significance (1 of 4 stars; one submission).

Conditions:
Emery-Dreifuss muscular dystrophy 5, autosomal dominant (EDMD5). Also called: EMERY-DREIFUSS MUSCULAR DYSTROPHY 5. Identifiers: Orphanet 261, MedGen C2751805, MONDO:0013072, OMIM 612999.

Submission:

Labcorp Genetics (formerly Invitae), Labcorp
Classification: Uncertain significance for Emery-Dreifuss muscular dystrophy 5, autosomal dominant. Last evaluated: 2022-06-20. Review status: criteria provided, single submitter. Criteria: Invitae Variant Classification Sherloc (09022015). Collection method: clinical testing. Allele origin: germline.
Comment: This sequence change replaces glutamine, which is neutral and polar, with arginine, which is basic and polar, at codon 3533 of the SYNE2 protein (p.Gln3533Arg). In summary, the available evidence is currently insufficient to determine the role of this variant in disease. Therefore, it has been classified as a Variant of Uncertain Significance. Algorithms developed to predict the effect of missense changes on protein structure and function (SIFT, PolyPhen-2, Align-GVGD) all suggest that this variant is likely to be tolerated. This variant has not been reported in the literature in individuals affected with SYNE2-related conditions. This variant is not present in population databases (gnomAD no frequency).